The following is an entry in ClinVar:

ClinVar aggregate classification (germline): Uncertain significance (1 of 4 stars; one submission).

Submission:

Labcorp Genetics (formerly Invitae), Labcorp
Classification: Uncertain significance. Last evaluated: 2022-05-14. Review status: criteria provided, single submitter. Criteria: Invitae Variant Classification Sherloc (09022015). Collection method: clinical testing. Allele origin: germline.
Comment: In summary, the available evidence is currently insufficient to determine the role of this variant in disease. Therefore, it has been classified as a Variant of Uncertain Significance. Algorithms developed to predict the effect of missense changes on protein structure and function are either unavailable or do not agree on the potential impact of this missense change (SIFT: "Not Available"; PolyPhen-2: "Probably Damaging"; Align-GVGD: "Not Available"). This variant has not been reported in the literature in individuals affected with SORL1-related conditions. The frequency data for this variant in the population databases is considered unreliable, as metrics indicate poor data quality at this position in the gnomAD database. This sequence change replaces serine, which is neutral and polar, with leucine, which is neutral and non-polar, at codon 1187 of the SORL1 protein (p.Ser1187Leu).

NM_003105.6(SORL1):c.3560_3561delinsTG (p.Ser1187Leu)

Gene: SORL1 (sortilin related receptor 1; plus strand). Cytogenetic location: 11q24.1.
Variant type: Indel.
Coding change: c.3560_3561delinsTG on transcript NM_003105.6 (MANE Select); coding-DNA positions 3560 to 3561, CT replaced by TG.
Protein change: p.Ser1187Leu; replaces serine 1187 with leucine.
Molecular consequence: missense variant.
Genome position (GRCh38, 1-based): chr11:121,577,380-121,577,381, CT replaced by TG. VCF-style: chr11-121577380-CT-TG. GRCh37 (hg19) VCF-style: chr11-121448089-CT-TG.
Other names: short protein forms S1187L.
Identifiers: ClinVar variation 1945559 (VCV001945559.5), dbSNP rs2496927781, ClinGen allele CA2580083719.